The following is an entry in ClinVar:

NM_001323289.2(CDKL5):c.207_213del (p.Glu70fs)

Gene: CDKL5 (cyclin dependent kinase like 5; plus strand). Cytogenetic location: Xp22.13.
Variant type: Deletion.
Coding change: c.207_213del on transcript NM_001323289.2 (MANE Select); coding-DNA positions 207 to 213, 7 bases deleted (GGAAAAC; older notation c.207_213delGGAAAAC).
Protein change: p.Glu70fs; shifts the reading frame from glutamic acid 70.
Molecular consequence: frameshift variant.
Genome position (GRCh38, 1-based): chrX:18,575,415-18,575,421, GGAAAAC deleted. VCF-style (leftmost placement, unchanged base first): chrX-18575414-AGGAAAAC-A. GRCh37 (hg19) VCF-style: chrX-18593534-AGGAAAAC-A.
Other names: NM_001323289.2(CDKL5):c.207_213del; p.Glu70fs; c.207_213del7 (NM_003159.2); c.207_213del, p.Glu70fs (NM_001037343.2, NM_003159.3); short protein forms E70fs.
Identifiers: ClinVar variation 189569 (VCV000189569.3), dbSNP rs786204977, ClinGen allele CA199387.
Genomic context (GRCh38, chrX:18,575,414, plus strand): 5'-AAAATGAAGAAGTCAAAGAAACGACTTTACGAGAGCTTAAAATGCTTCGGACTCTCAAGC[AGGAAAAC>A]ATTGTGGAGTTGAAGGAAGCATTTCGTCGGAGGGGAAAGTTGTACTTGGTGTTTGAGTAT-3'

ClinVar aggregate classification (germline): Pathogenic. Review status: criteria provided, single submitter (1 of 4 stars). 2 submissions from 2 submitters: Pathogenic (1). 1 of the submissions does not count toward it. Last evaluated 2024-07-16.

Conditions:
CDKL5 disorder. Identifiers: MedGen CN296942, MONDO:0100039.
Developmental and epileptic encephalopathy, 2 (DEE2). Also called: INFANTILE SPASM SYNDROME, X-LINKED 2; CDKL5 deficiency disorder. Identifiers: Orphanet 1934, Orphanet 3451, Orphanet 505652, MedGen C4750718, MONDO:0010396, OMIM 300672.

Submissions (2):

Centre for Population Genomics, CPG
Classification: Pathogenic for CDKL5 disorder. Last evaluated: 2024-07-16. Review status: criteria provided, single submitter. Criteria: McKnight et al. (Hum Mutat. 2022). Collection method: curation. Allele origin: germline. Inheritance: X-linked inheritance.
Comment: This variant has been collected from RettBASE and curated to current modified ACMG/AMP criteria. Based on the classification scheme defined by the ClinGen Rett/Angelman-like Expert Panel for Rett/AS-like Disorders Specifications to the ACMG/AMP Variant Interpretation Guidelines VCEP 3.0, this variant is classified as pathogenic. At least the following criteria are met: Predicted to result in loss of function, and LOF is a known mechanism of disease (PVS1). This variant is absent from gnomAD (PM2_Supporting). This variant has been identified as a de novo occurrence in an individual with CDKL5 disorder without confirmation of paternity and maternity (PM6, PMID: 22832775).

RettBASE
Classification: Pathogenic for Epileptic encephalopathy, early infantile, 2. Last evaluated: 2014-03-13. Review status: no assertion criteria provided. Collection method: curation. Allele origin: de novo. Affected: yes. Observed: 1 variant allele. Not counted in ClinVar's aggregate classification.

Literature cited by the submitters: PubMed 22832775 (cited by RettBASE).